The following is an entry in ClinVar:

ClinVar aggregate classification (germline): Uncertain significance (1 of 4 stars; one submission).

Submission:

Labcorp Genetics (formerly Invitae), Labcorp
Classification: Uncertain significance. Last evaluated: 2022-01-06. Review status: criteria provided, single submitter. Criteria: Invitae Variant Classification Sherloc (09022015). Collection method: clinical testing. Allele origin: germline.
Comment: This sequence change replaces alanine, which is neutral and non-polar, with valine, which is neutral and non-polar, at codon 83 of the TULP1 protein (p.Ala83Val). This variant is not present in population databases (gnomAD no frequency). This variant has not been reported in the literature in individuals affected with TULP1-related conditions. ClinVar contains an entry for this variant (Variation ID: 968037). Algorithms developed to predict the effect of missense changes on protein structure and function output the following: SIFT: "Not Available"; PolyPhen-2: "Benign"; Align-GVGD: "Not Available". The valine amino acid residue is found in multiple mammalian species, which suggests that this missense change does not adversely affect protein function. Algorithms developed to predict the effect of sequence changes on RNA splicing suggest that this variant may create or strengthen a splice site. In summary, the available evidence is currently insufficient to determine the role of this variant in disease. Therefore, it has been classified as a Variant of Uncertain Significance.

NM_003322.6(TULP1):c.248C>T (p.Ala83Val)

Gene: TULP1 (TUB like protein 1; minus strand). Cytogenetic location: 6p21.31.
Variant type: single nucleotide variant.
Coding change: c.248C>T on transcript NM_003322.6 (MANE Select); coding-DNA position 248, C replaced by T.
Protein change: p.Ala83Val; replaces alanine 83 with valine.
Molecular consequence: missense variant. On other transcripts: intron variant (1).
Genome position (GRCh38, 1-based): chr6:35,511,749, G>A on the plus strand (C>T on the coding strand, the complement: TULP1 is on the minus strand). VCF-style: chr6-35511749-G-A. GRCh37 (hg19) VCF-style: chr6-35479526-G-A.
Other names: c.190+431C>T (NM_001289395.2); short protein forms A83V.
Identifiers: ClinVar variation 968037 (VCV000968037.7), dbSNP rs765249939, ClinGen allele CA363784071.